The following is an entry in ClinVar:

ClinVar aggregate classification (germline): Uncertain significance. Review status: criteria provided, multiple submitters, no conflicts (2 of 4 stars). 2 submissions from 2 submitters: Uncertain significance (2). Last evaluated 2025-06-14.

Submissions (2):

GeneDx
Classification: Uncertain significance. Last evaluated: 2025-06-14. Review status: criteria provided, single submitter. Criteria: GeneDx Variant Classification Process June 2021. Collection method: clinical testing. Allele origin: germline. Affected: yes.
Comment: Not observed at significant frequency in large population cohorts (gnomAD); In silico analysis supports that this missense variant has a deleterious effect on protein structure/function; Has not been previously published as pathogenic or benign to our knowledge

Labcorp Genetics (formerly Invitae), Labcorp
Classification: Uncertain significance. Last evaluated: 2024-10-31. Review status: criteria provided, single submitter. Criteria: Invitae Variant Classification Sherloc (09022015). Collection method: clinical testing. Allele origin: germline.
Comment: This sequence change replaces proline, which is neutral and non-polar, with serine, which is neutral and polar, at codon 140 of the UBA5 protein (p.Pro140Ser). This variant is not present in population databases (gnomAD no frequency). This variant has not been reported in the literature in individuals affected with UBA5-related conditions. Invitae Evidence Modeling of protein sequence and biophysical properties (such as structural, functional, and spatial information, amino acid conservation, physicochemical variation, residue mobility, and thermodynamic stability) indicates that this missense variant is expected to disrupt UBA5 protein function with a positive predictive value of 80%. In summary, the available evidence is currently insufficient to determine the role of this variant in disease. Therefore, it has been classified as a Variant of Uncertain Significance.

NM_024818.6(UBA5):c.418C>T (p.Pro140Ser)

Genes: NPHP3-ACAD11 (NPHP3-ACAD11 readthrough (NMD candidate); minus strand), UBA5 (ubiquitin like modifier activating enzyme 5; plus strand). Cytogenetic location: 3q22.1.
Variant type: single nucleotide variant.
Coding change: c.418C>T on transcript NM_024818.6 (MANE Select); coding-DNA position 418, C replaced by T.
Protein change: p.Pro140Ser; replaces proline 140 with serine.
Molecular consequence: missense variant.
Genome position (GRCh38, 1-based): chr3:132,670,208, C>T. VCF-style: chr3-132670208-C-T. GRCh37 (hg19) VCF-style: chr3-132389052-C-T.
Other names: c.250C>T, p.Pro84Ser (NM_001320210.2, NM_198329.4); c.148C>T, p.Pro50Ser (NM_001321238.2); c.82C>T, p.Pro28Ser (NM_001321239.1); short protein forms P84S, P50S, P140S, P28S.
Identifiers: ClinVar variation 3711156 (VCV003711156.3).